The following is an entry in ClinVar:

ClinVar aggregate classification (germline): Likely benign. Review status: criteria provided, multiple submitters, no conflicts (2 of 4 stars). 3 submissions from 3 submitters: Likely benign (3). Last evaluated 2025-04-23.

Conditions:
TTN-related disorder. Also called: TTN-related disorders; TTN-related condition; TTN-related disease.

Allele frequency attached by ClinVar (database versions not stated): ExAC 0.00001; gnomAD 0.00001; gnomAD exomes 0.00001; TOPMed 0.00001.
gnomAD v4.1: 9 of 1,613,028 alleles (0.00056%); highest among the groups gnomAD compares: Middle Eastern, 0.016%; no homozygotes.

Submissions (3):

PreventionGenetics, part of Exact Sciences
Classification: Likely benign for TTN-related condition. Last evaluated: 2025-04-23. Review status: criteria provided, single submitter. Criteria: ACMG Guidelines, 2015. Collection method: clinical testing. Allele origin: germline.
Comment: This variant is classified as likely benign based on ACMG/AMP sequence variant interpretation guidelines (Richards et al. 2015 PMID: 25741868, with internal and published modifications).

Blueprint Genetics
Classification: Likely benign. Last evaluated: 2024-04-16. Review status: criteria provided, single submitter. Criteria: ACMG Guidelines, 2015. Collection method: clinical testing. Allele origin: germline.

CeGaT Center for Human Genetics Tuebingen
Classification: Likely benign. Last evaluated: 2023-08-01. Review status: criteria provided, single submitter. Criteria: CeGaT Center For Human Genetics Tuebingen Variant Classification Criteria Version 2. Collection method: clinical testing. Allele origin: germline. Affected: yes. Observed: 1 variant allele.
Comment: TTN: BP4, BP7

NM_001267550.2(TTN):c.11311+2325T>C

Gene: TTN (titin; minus strand). Cytogenetic location: 2q31.2.
Variant type: single nucleotide variant.
Coding change: c.11311+2325T>C on transcript NM_001267550.2 (MANE Select); 2325 bases into the intron after coding-DNA position 11311, T replaced by C.
Molecular consequence: intron variant. On other transcripts: synonymous variant (1).
Genome position (GRCh38, 1-based): chr2:178,750,799, A>G on the plus strand (T>C on the coding strand, the complement: TTN is on the minus strand). VCF-style: chr2-178750799-A-G. GRCh37 (hg19) VCF-style: chr2-179615526-A-G.
Other names: c.11601T>C, p.Thr3867= (NM_133379.5); c.10222+2325T>C (NM_003319.4); c.10798+2325T>C (NM_133437.4); c.10597+2325T>C (NM_133432.3); c.10360+2325T>C (NM_133378.4, NM_001256850.1).
Identifiers: ClinVar variation 2578890 (VCV002578890.27), dbSNP rs762345534, ClinGen allele CA2003716.
Genomic context (GRCh38, chr2:178,750,799, plus strand): 5'-TACAAGTGTACCAAAAGATTCGCTGGCATGTGGTGTAATAGCTTGAGACACATTTTCAGG[A>G]GTCTCATATACTTCCTCCTTCTCACATACATTAGTGATATATGTGGATGACTCTCCAATT-3'